The following is an entry in ClinVar:

ClinVar aggregate classification (germline): Likely pathogenic (1 of 4 stars; one submission).

Conditions:
CHIME syndrome (CHIME). Also called: COLOBOMA, CONGENITAL HEART DISEASE, ICHTHYOSIFORM DERMATOSIS, IMPAIRED INTELLECTUAL DEVELOPMENT, AND EAR ANOMALIES SYNDROME; GLYCOSYLPHOSPHATIDYLINOSITOL BIOSYNTHESIS DEFECT 5. Identifiers: Orphanet 3474, MedGen C1848392, MONDO:0010221, OMIM 280000.

Submission:

3billion
Classification: Likely pathogenic for CHIME syndrome. Last evaluated: 2022-03-22. Review status: criteria provided, single submitter. Criteria: ACMG Guidelines, 2015. Collection method: clinical testing. Allele origin: germline. Affected: yes. Observed: 1 heterozygote.
Comment: Frameshift: predicted to result in a loss or disruption of normal protein function through nonsense-mediated decay (NMD) or protein truncation. Multiple pathogenic variants are reported downstream of the variant.It is not observed in the gnomAD v2.1.1 dataset. Therefore, this variant is classified as likely pathogenic according to the recommendation of ACMG/AMP guideline.

NM_004278.4(PIGL):c.154_161del (p.Asp52fs)

Gene: PIGL (phosphatidylinositol glycan anchor biosynthesis class L; plus strand). Cytogenetic location: 17p11.2.
Variant type: Deletion.
Coding change: c.154_161del on transcript NM_004278.4 (MANE Select); coding-DNA positions 154 to 161, 8 bases deleted (GATGAAGC; older notation c.154_161delGATGAAGC).
Protein change: p.Asp52fs; shifts the reading frame from aspartic acid 52.
Molecular consequence: frameshift variant.
Genome position (GRCh38, 1-based): chr17:16,217,380-16,217,387, GATGAAGC deleted; deleting any 8 consecutive bases within chr17:16,217,379-16,217,387 gives the same sequence; the c. name uses the placement nearest the transcript's 3' end. VCF-style (leftmost placement, unchanged base first): chr17-16217378-ACGATGAAG-A. GRCh37 (hg19) VCF-style: chr17-16120692-ACGATGAAG-A.
Other names: short protein forms D52fs.
Identifiers: ClinVar variation 1526252 (VCV001526252.1), dbSNP rs2142610073, ClinGen allele CA2573153168.